The following is an entry in ClinVar:

ClinVar aggregate classification (germline): Uncertain significance (1 of 4 stars; one submission).

gnomAD v4.1: 1 of 1,614,164 alleles (0.000062%); highest among the groups gnomAD compares: Admixed American, 0.0017%; no homozygotes.

Submission:

Labcorp Genetics (formerly Invitae), Labcorp
Classification: Uncertain significance. Last evaluated: 2023-11-20. Review status: criteria provided, single submitter. Criteria: Invitae Variant Classification Sherloc (09022015). Collection method: clinical testing. Allele origin: germline.
Comment: This sequence change replaces asparagine, which is neutral and polar, with lysine, which is basic and polar, at codon 279 of the CYP4V2 protein (p.Asn279Lys). This variant is present in population databases (no rsID available, gnomAD 0.003%). This variant has not been reported in the literature in individuals affected with CYP4V2-related conditions. ClinVar contains an entry for this variant (Variation ID: 2014719). Advanced modeling of protein sequence and biophysical properties (such as structural, functional, and spatial information, amino acid conservation, physicochemical variation, residue mobility, and thermodynamic stability) performed at Invitae indicates that this missense variant is not expected to disrupt CYP4V2 protein function with a negative predictive value of 95%. In summary, the available evidence is currently insufficient to determine the role of this variant in disease. Therefore, it has been classified as a Variant of Uncertain Significance.

NM_207352.4(CYP4V2):c.837T>A (p.Asn279Lys)

Gene: CYP4V2 (cytochrome P450 family 4 subfamily V member 2; plus strand). Cytogenetic location: 4q35.2.
Variant type: single nucleotide variant.
Coding change: c.837T>A on transcript NM_207352.4 (MANE Select); coding-DNA position 837, T replaced by A.
Protein change: p.Asn279Lys; replaces asparagine 279 with lysine.
Molecular consequence: missense variant.
Genome position (GRCh38, 1-based): chr4:186,201,192, T>A. VCF-style: chr4-186201192-T-A. GRCh37 (hg19) VCF-style: chr4-187122346-T-A.
Other names: short protein forms N279K.
Identifiers: ClinVar variation 2014719 (VCV002014719.4), dbSNP rs745895075, ClinGen allele CA358948243.
Genomic context (GRCh38, chr4:186,201,192, plus strand): 5'-TGTGATTATCATTCAAATCATACAGGTCATCGCTGAACGGGCCAATGAAATGAACGCCAA[T>A]GAAGACTGTAGAGGTGATGGCAGGGGCTCTGCCCCCTCCAAAAATAAACGCAGGGCCTTT-3'
Protein context (NP_997235.3, residues 269-289): IAERANEMNA[Asn279Lys]EDCRGDGRGS